The following is an entry in ClinVar:

NM_001013838.3(CARMIL2):c.2037G>C (p.Gln679His)

Gene: CARMIL2 (capping protein regulator and myosin 1 linker 2; plus strand). Cytogenetic location: 16q22.1.
Variant type: single nucleotide variant.
Coding change: c.2037G>C on transcript NM_001013838.3 (MANE Select); coding-DNA position 2037, G replaced by C.
Protein change: p.Gln679His; replaces glutamine 679 with histidine.
Molecular consequence: missense variant.
Genome position (GRCh38, 1-based): chr16:67,649,923, G>C. VCF-style: chr16-67649923-G-C. GRCh37 (hg19) VCF-style: chr16-67683826-G-C.
Other names: c.1929G>C, p.Gln643His (NM_001317026.3); short protein forms Q679H, Q643H.
Identifiers: ClinVar variation 2749092 (VCV002749092.3), dbSNP rs1430043793, ClinGen allele CA396339732.

ClinVar aggregate classification (germline): Uncertain significance (1 of 4 stars; one submission).

Submission:

Labcorp Genetics (formerly Invitae), Labcorp
Classification: Uncertain significance. Last evaluated: 2024-07-14. Review status: criteria provided, single submitter. Criteria: Invitae Variant Classification Sherloc (09022015). Collection method: clinical testing. Allele origin: germline.
Comment: This sequence change replaces glutamine, which is neutral and polar, with histidine, which is basic and polar, at codon 679 of the CARMIL2 protein (p.Gln679His). This variant is not present in population databases (gnomAD no frequency). This variant has not been reported in the literature in individuals affected with CARMIL2-related conditions. Advanced modeling of protein sequence and biophysical properties (such as structural, functional, and spatial information, amino acid conservation, physicochemical variation, residue mobility, and thermodynamic stability) performed at Invitae indicates that this missense variant is not expected to disrupt CARMIL2 protein function with a negative predictive value of 80%. In summary, the available evidence is currently insufficient to determine the role of this variant in disease. Therefore, it has been classified as a Variant of Uncertain Significance.